The following is an entry in ClinVar:

ClinVar aggregate classification (germline): Uncertain significance (1 of 4 stars; one submission).

Allele frequency attached by ClinVar (database versions not stated): ExAC 0.00001.

Submission:

Labcorp Genetics (formerly Invitae), Labcorp
Classification: Uncertain significance. Last evaluated: 2022-03-23. Review status: criteria provided, single submitter. Criteria: Invitae Variant Classification Sherloc (09022015). Collection method: clinical testing. Allele origin: germline.
Comment: In summary, the available evidence is currently insufficient to determine the role of this variant in disease. Therefore, it has been classified as a Variant of Uncertain Significance. This sequence change affects codon 492 of the ANKH mRNA. It is a 'silent' change, meaning that it does not change the encoded amino acid sequence of the ANKH protein. This variant is present in population databases (rs751331156, gnomAD 0.006%). This variant has not been reported in the literature in individuals affected with ANKH-related conditions. Algorithms developed to predict the effect of sequence changes on RNA splicing suggest that this variant may create or strengthen a splice site.

NM_054027.6(ANKH):c.1476A>G (p.Glu492=)

Genes: ANKH (ANKH inorganic pyrophosphate transport regulator; minus strand), OTULIN (OTU deubiquitinase with linear linkage specificity; plus strand). Cytogenetic location: 5p15.2.
Variant type: single nucleotide variant.
Coding change: c.1476A>G on transcript NM_054027.6 (MANE Select); coding-DNA position 1476, A replaced by G.
Protein change: p.Glu492=; no amino-acid change (glutamic acid 492 retained).
Molecular consequence: synonymous variant.
Genome position (GRCh38, 1-based): chr5:14,711,200, T>C on the plus strand (A>G on the coding strand, the complement: ANKH is on the minus strand). VCF-style: chr5-14711200-T-C. GRCh37 (hg19) VCF-style: chr5-14711309-T-C.
Identifiers: ClinVar variation 1911459 (VCV001911459.5), dbSNP rs751331156, ClinGen allele CA3208763.
Genomic context (GRCh38, chr5:14,711,200, plus strand): 5'-GATGCCGAAGTGTCATCCTGACTGACTGTCCCTGCAGTGCCCATGGCGTCCCGTGCCTTA[T>C]TCATTCTCCTCTCTCATTTCCACGATGTCTGTCACCTCCTCTGTCGGAGGCATGTCTGTC-3'
Protein context (NP_473368.1, residues 482-492): TDIVEMREEN[Glu492=]